The following is an entry in ClinVar:

ClinVar aggregate classification (germline): Uncertain significance (0 of 4 stars; one submission).

Allele frequency attached by ClinVar (database versions not stated): gnomAD exomes 0.00001.
gnomAD v4.1: 13 of 1,614,200 alleles (0.00081%); highest among the groups gnomAD compares: South Asian, 0.0022%; no homozygotes.

Submission:

Department of Pathology and Laboratory Medicine, Sinai Health System
Classification: Uncertain significance. Review status: no assertion criteria provided. Collection method: clinical testing. Allele origin: unknown. Affected: yes. Study: The Canadian Open Genetics Repository (COGR).
Comment: The UBAP1 p.Leu302Val variant was not identified in the literature nor was it identified in ClinVar or LOVD 3.0. The variant was identified in dbSNP (ID: rs1432496591) and in control databases in 2 of 251244 chromosomes at a frequency of 0.00000796 (Genome Aggregation Database March 6, 2019, v2.1.1). The variant was observed in the European (non-Finnish) populaton in 2 of 113548 chromosomes (freq: 0.000018), but was not observed in the African, Latino, Ashkenazi Jewish, East Asian, European (Finnish), Other, or South Asian populations. The p.Leu302 residue is conserved in mammals and computational analyses (PolyPhen-2, SIFT, AlignGVGD, BLOSUM, MutationTaster) provide inconsistent predictions regarding the impact to the protein; this information is not very predictive of pathogenicity. The variant occurs outside of the splicing consensus sequence and in silico or computational prediction software programs (SpliceSiteFinder, MaxEntScan, NNSPLICE, GeneSplicer) do not predict a difference in splicing. In summary, based on the above information the clinical significance of this variant cannot be determined with certainty at this time. This variant is classified as a variant of uncertain significance.

NM_016525.5(UBAP1):c.904C>G (p.Leu302Val)

Gene: UBAP1 (ubiquitin associated protein 1; plus strand). Cytogenetic location: 9p13.3.
Variant type: single nucleotide variant.
Coding change: c.904C>G on transcript NM_016525.5 (MANE Select); coding-DNA position 904, C replaced by G.
Protein change: p.Leu302Val; replaces leucine 302 with valine.
Molecular consequence: missense variant. On other transcripts: non-coding transcript variant (1).
Genome position (GRCh38, 1-based): chr9:34,241,929, C>G. VCF-style: chr9-34241929-C-G. GRCh37 (hg19) VCF-style: chr9-34241927-C-G.
Other names: c.1096C>G, p.Leu366Val (NM_001171201.1); c.1012C>G, p.Leu338Val (NM_001171202.1); c.904C>G, p.Leu302Val (NM_001171203.3, NM_001171204.3); short protein forms L302V, L338V, L366V.
Identifiers: ClinVar variation 1050287 (VCV001050287.1), dbSNP rs1432496591, ClinGen allele CA373249251.
Genomic context (GRCh38, chr9:34,241,929, plus strand): 5'-AAGCTGGCGAGCACTTTCCATAGCACATCCTGCCTCCGCAATGGCACGTTCCAGAATTCC[C>G]TAAAGCCTTCCACCCAAAGCAGTGCCAGTGAGCTCAATGGGCATCACACTCTTGGGCTTT-3'
Protein context (NP_057609.2, residues 292-312): CLRNGTFQNS[Leu302Val]KPSTQSSASE